The following is an entry in ClinVar:

ClinVar aggregate classification (germline): Likely benign. Review status: criteria provided, multiple submitters, no conflicts (2 of 4 stars). 3 submissions from 3 submitters: Likely benign (2). 1 of the submissions does not count toward it. Last evaluated 2025-12-15.

Conditions:
Inborn genetic diseases. Identifiers: MedGen C0950123, MeSH D030342.
PROP1-related disorder. Also called: PROP1-related condition.

Allele frequency attached by ClinVar (database versions not stated): gnomAD exomes 0.00003 and 0.00007; ExAC 0.00004; gnomAD 0.00005.
gnomAD v4.1: 108 of 1,613,708 alleles (0.0067%); highest among the groups gnomAD compares: Non-Finnish European, 0.0089%; no homozygotes.

Submissions (3):

Ambry Genetics
Classification: Likely benign for Inborn genetic diseases. Last evaluated: 2025-12-15. Review status: criteria provided, single submitter. Criteria: Ambry Variant Classification Scheme 2023. Collection method: clinical testing. Allele origin: germline.

Labcorp Genetics (formerly Invitae), Labcorp
Classification: Likely benign. Last evaluated: 2025-03-16. Review status: criteria provided, single submitter. Criteria: Invitae Variant Classification Sherloc (09022015). Collection method: clinical testing. Allele origin: germline.

PreventionGenetics, part of Exact Sciences
Classification: Likely benign for PROP1-related condition. Last evaluated: 2019-02-25. Review status: no assertion criteria provided. Collection method: clinical testing. Allele origin: germline. Not counted in ClinVar's aggregate classification.
Comment: This variant is classified as likely benign based on ACMG/AMP sequence variant interpretation guidelines (Richards et al. 2015 PMID: 25741868, with internal and published modifications).

NM_006261.5(PROP1):c.513C>T (p.Tyr171=)

Gene: PROP1 (PROP paired-like homeobox 1; minus strand). Cytogenetic location: 5q35.3.
Variant type: single nucleotide variant.
Coding change: c.513C>T on transcript NM_006261.5 (MANE Select); coding-DNA position 513, C replaced by T.
Protein change: p.Tyr171=; no amino-acid change (tyrosine 171 retained).
Molecular consequence: synonymous variant.
Genome position (GRCh38, 1-based): chr5:177,992,877, G>A on the plus strand (C>T on the coding strand, the complement: PROP1 is on the minus strand). VCF-style: chr5-177992877-G-A. GRCh37 (hg19) VCF-style: chr5-177419878-G-A.
Other names: c.513C>T (NM_006261.4).
Identifiers: ClinVar variation 1088810 (VCV001088810.12), dbSNP rs773082009, ClinGen allele CA3587511.